The following is an entry in ClinVar:

ClinVar aggregate classification (germline): Uncertain significance (1 of 4 stars; one submission).

Allele frequency attached by ClinVar (database versions not stated): gnomAD exomes below 0.00001.
gnomAD v4.1: 3 of 1,613,158 alleles (0.00019%); highest among the groups gnomAD compares: Non-Finnish European, 0.00025%; no homozygotes.

Submission:

Labcorp Genetics (formerly Invitae), Labcorp
Classification: Uncertain significance. Last evaluated: 2022-12-31. Review status: criteria provided, single submitter. Criteria: Invitae Variant Classification Sherloc (09022015). Collection method: clinical testing. Allele origin: germline.
Comment: This sequence change replaces serine, which is neutral and polar, with arginine, which is basic and polar, at codon 4311 of the HMCN1 protein (p.Ser4311Arg). This variant is not present in population databases (gnomAD no frequency). This variant has not been reported in the literature in individuals affected with HMCN1-related conditions. ClinVar contains an entry for this variant (Variation ID: 1721561). Algorithms developed to predict the effect of missense changes on protein structure and function (SIFT, PolyPhen-2, Align-GVGD) all suggest that this variant is likely to be disruptive. In summary, the available evidence is currently insufficient to determine the role of this variant in disease. Therefore, it has been classified as a Variant of Uncertain Significance.

NM_031935.3(HMCN1):c.12931A>C (p.Ser4311Arg)

Gene: HMCN1 (hemicentin 1; plus strand). Cytogenetic location: 1q31.1.
Variant type: single nucleotide variant.
Coding change: c.12931A>C on transcript NM_031935.3 (MANE Select); coding-DNA position 12931, A replaced by C.
Protein change: p.Ser4311Arg; replaces serine 4311 with arginine.
Molecular consequence: missense variant.
Genome position (GRCh38, 1-based): chr1:186,129,992, A>C. VCF-style: chr1-186129992-A-C. GRCh37 (hg19) VCF-style: chr1-186099124-A-C.
Other names: short protein forms S4311R.
Identifiers: ClinVar variation 1721561 (VCV001721561.5), dbSNP rs780599080, ClinGen allele CA343906919.